The following is an entry in ClinVar:

NM_001371986.1(UNC80):c.9241A>C (p.Met3081Leu)

Gene: UNC80 (unc-80 subunit of NALCN channel complex; plus strand). Cytogenetic location: 2q34.
Variant type: single nucleotide variant.
Coding change: c.9241A>C on transcript NM_001371986.1 (MANE Select); coding-DNA position 9241, A replaced by C.
Protein change: p.Met3081Leu; replaces methionine 3081 with leucine.
Molecular consequence: missense variant.
Genome position (GRCh38, 1-based): chr2:209,982,301, A>C. VCF-style: chr2-209982301-A-C. GRCh37 (hg19) VCF-style: chr2-210847025-A-C.
Other names: c.9043A>C, p.Met3015Leu (NM_032504.2); c.9028A>C, p.Met3010Leu (NM_182587.4); short protein forms M3010L, M3015L, M3081L.
Identifiers: ClinVar variation 2002542 (VCV002002542.4), dbSNP rs1439063604, ClinGen allele CA350415047.

ClinVar aggregate classification (germline): Uncertain significance (1 of 4 stars; one submission).

Allele frequency attached by ClinVar (database versions not stated): TOPMed below 0.00001; gnomAD 0.00001.
gnomAD v4.1: 2 of 1,551,238 alleles (0.00013%); highest among the groups gnomAD compares: Non-Finnish European, 0.00017%; no homozygotes.

Submission:

Labcorp Genetics (formerly Invitae), Labcorp
Classification: Uncertain significance. Last evaluated: 2022-06-15. Review status: criteria provided, single submitter. Criteria: Invitae Variant Classification Sherloc (09022015). Collection method: clinical testing. Allele origin: germline.
Comment: In summary, the available evidence is currently insufficient to determine the role of this variant in disease. Therefore, it has been classified as a Variant of Uncertain Significance. Algorithms developed to predict the effect of sequence changes on RNA splicing suggest that this variant may disrupt the consensus splice site. Algorithms developed to predict the effect of missense changes on protein structure and function output the following: SIFT: "Not Available"; PolyPhen-2: "Benign"; Align-GVGD: "Not Available". The leucine amino acid residue is found in multiple mammalian species, which suggests that this missense change does not adversely affect protein function. This variant has not been reported in the literature in individuals affected with UNC80-related conditions. This variant is not present in population databases (gnomAD no frequency). This sequence change replaces methionine, which is neutral and non-polar, with leucine, which is neutral and non-polar, at codon 3015 of the UNC80 protein (p.Met3015Leu).